The following is an entry in ClinVar:

NM_001136191.3(KANK2):c.1928G>A (p.Arg643Gln)

Gene: KANK2 (KN motif and ankyrin repeat domains 2; minus strand). Cytogenetic location: 19p13.2.
Variant type: single nucleotide variant.
Coding change: c.1928G>A on transcript NM_001136191.3 (MANE Select); coding-DNA position 1928, G replaced by A.
Protein change: p.Arg643Gln; replaces arginine 643 with glutamine.
Molecular consequence: missense variant.
Genome position (GRCh38, 1-based): chr19:11,174,613, C>T on the plus strand (G>A on the coding strand, the complement: KANK2 is on the minus strand). VCF-style: chr19-11174613-C-T. GRCh37 (hg19) VCF-style: chr19-11285289-C-T.
Other names: c.1928G>A, p.Arg643Gln (NM_001329451.2, NM_001379555.1, NM_001379556.1 and 7 more transcripts); c.1952G>A, p.Arg651Gln (NM_001379548.1, NM_001379549.1, NM_001379550.1 and 5 more transcripts); short protein forms R643Q, R651Q.
Identifiers: ClinVar variation 1914191 (VCV001914191.6), dbSNP rs373772224, ClinGen allele CA9205455.

ClinVar aggregate classification (germline): Uncertain significance. Review status: criteria provided, multiple submitters, no conflicts (2 of 4 stars). 2 submissions from 2 submitters: Uncertain significance (2). Last evaluated 2025-09-22.

Allele frequency attached by ClinVar (database versions not stated): gnomAD 0.00001; TOPMed 0.00001; ExAC 0.00004; ESP Exome Variant Server 0.00008.
gnomAD v4.1: 22 of 1,612,590 alleles (0.0014%); highest among the groups gnomAD compares: Admixed American, 0.0033%; no homozygotes.

Submissions (2):

Ambry Genetics
Classification: Uncertain significance. Last evaluated: 2025-09-22. Review status: criteria provided, single submitter. Criteria: Ambry Variant Classification Scheme 2023. Collection method: clinical testing. Allele origin: germline.

Labcorp Genetics (formerly Invitae), Labcorp
Classification: Uncertain significance. Last evaluated: 2025-09-02. Review status: criteria provided, single submitter. Criteria: Invitae Variant Classification Sherloc (09022015). Collection method: clinical testing. Allele origin: germline.
Comment: This sequence change replaces arginine, which is basic and polar, with glutamine, which is neutral and polar, at codon 643 of the KANK2 protein (p.Arg643Gln). This variant is present in population databases (rs373772224, gnomAD 0.01%). This variant has not been reported in the literature in individuals affected with KANK2-related conditions. ClinVar contains an entry for this variant (Variation ID: 1914191). An algorithm developed to predict the effect of missense changes on protein structure and function (PolyPhen-2) suggests that this variant is likely to be disruptive. In summary, the available evidence is currently insufficient to determine the role of this variant in disease. Therefore, it has been classified as a Variant of Uncertain Significance.